The following is an entry in ClinVar:

NM_005245.4(FAT1):c.6831T>G (p.Asn2277Lys)

Gene: FAT1 (FAT atypical cadherin 1; minus strand). Cytogenetic location: 4q35.2.
Variant type: single nucleotide variant.
Coding change: c.6831T>G on transcript NM_005245.4 (MANE Select); coding-DNA position 6831, T replaced by G.
Protein change: p.Asn2277Lys; replaces asparagine 2277 with lysine.
Molecular consequence: missense variant.
Genome position (GRCh38, 1-based): chr4:186,619,755, A>C on the plus strand (T>G on the coding strand, the complement: FAT1 is on the minus strand). VCF-style: chr4-186619755-A-C. GRCh37 (hg19) VCF-style: chr4-187540909-A-C.
Other names: short protein forms N2277K.
Identifiers: ClinVar variation 2135558 (VCV002135558.4), dbSNP rs1056530207, ClinGen allele CA358967217.

ClinVar aggregate classification (germline): Uncertain significance (1 of 4 stars; one submission).

Submission:

Labcorp Genetics (formerly Invitae), Labcorp
Classification: Uncertain significance. Last evaluated: 2022-10-10. Review status: criteria provided, single submitter. Criteria: Invitae Variant Classification Sherloc (09022015). Collection method: clinical testing. Allele origin: germline.
Comment: This variant has not been reported in the literature in individuals affected with FAT1-related conditions. This variant is not present in population databases (gnomAD no frequency). This sequence change replaces asparagine, which is neutral and polar, with lysine, which is basic and polar, at codon 2277 of the FAT1 protein (p.Asn2277Lys). Algorithms developed to predict the effect of missense changes on protein structure and function (SIFT, PolyPhen-2, Align-GVGD) all suggest that this variant is likely to be disruptive. In summary, the available evidence is currently insufficient to determine the role of this variant in disease. Therefore, it has been classified as a Variant of Uncertain Significance.